The following is an entry in ClinVar:

NM_014000.3(VCL):c.2531C>T (p.Pro844Leu)

Gene: VCL (vinculin; plus strand). Cytogenetic location: 10q22.2.
Variant type: single nucleotide variant.
Coding change: c.2531C>T on transcript NM_014000.3 (MANE Select); coding-DNA position 2531, C replaced by T.
Protein change: p.Pro844Leu; replaces proline 844 with leucine.
Molecular consequence: missense variant.
Genome position (GRCh38, 1-based): chr10:74,107,326, C>T. VCF-style: chr10-74107326-C-T. GRCh37 (hg19) VCF-style: chr10-75867084-C-T.
Other names: p.Pro844Leu; c.2531C>T, p.Pro844Leu (NM_003373.4); short protein forms P844L.
Identifiers: ClinVar variation 536704 (VCV000536704.18), dbSNP rs145393322, ClinGen allele CA5563240.

ClinVar aggregate classification (germline): Conflicting classifications of pathogenicity. Review status: criteria provided, conflicting classifications (1 of 4 stars). 8 submissions from 8 submitters: Uncertain significance (7); Likely benign (1). Last evaluated 2026-01-11.

Conditions:
Hypertrophic cardiomyopathy 15. Identifiers: MedGen C2750459, MONDO:0013200, OMIM 613255.
Dilated cardiomyopathy 1W (CMD1W). Identifiers: Orphanet 154, MedGen C1969639, MONDO:0012667, OMIM 611407.
Primary dilated cardiomyopathy (DCM). Also called: Dilated Cardiomyopathy. Identifiers: Orphanet 217604, MedGen C0007193, MeSH D002311, MONDO:0005021, HP:0001644. Inheritance: Various modes of inheritance.
Cardiovascular phenotype. Identifiers: MedGen CN230736.

Allele frequency attached by ClinVar (database versions not stated): gnomAD exomes 0.00004 and 0.00006; TOPMed 0.00004; gnomAD 0.00006 and 0.00007; ExAC 0.00007; ESP Exome Variant Server 0.00015; 1000 Genomes Project 30x 0.00016; 1000 Genomes Project 0.00020.
gnomAD v4.1: 65 of 1,614,180 alleles (0.004%); highest among the groups gnomAD compares: East Asian, 0.0067%; no homozygotes.

Submissions (8):

Labcorp Genetics (formerly Invitae), Labcorp
Classification: Uncertain significance for Dilated cardiomyopathy 1W. Last evaluated: 2026-01-11. Review status: criteria provided, single submitter. Criteria: Invitae Variant Classification Sherloc (09022015). Collection method: clinical testing. Allele origin: germline.
Comment: This sequence change replaces proline, which is neutral and non-polar, with leucine, which is neutral and non-polar, at codon 844 of the VCL protein (p.Pro844Leu). This variant is present in population databases (rs145393322, gnomAD 0.02%). This variant has not been reported in the literature in individuals affected with VCL-related conditions. ClinVar contains an entry for this variant (Variation ID: 536704). An algorithm developed to predict the effect of missense changes on protein structure and function (PolyPhen-2) suggests that this variant is likely to be disruptive. In summary, the available evidence is currently insufficient to determine the role of this variant in disease. Therefore, it has been classified as a Variant of Uncertain Significance.

Ambry Genetics
Classification: Uncertain significance for Cardiovascular phenotype. Last evaluated: 2025-11-15. Review status: criteria provided, single submitter. Criteria: Ambry Variant Classification Scheme 2023. Collection method: clinical testing. Allele origin: germline.
Comment: The p.P844L variant (also known as c.2531C>T), located in coding exon 17 of the VCL gene, results from a C to T substitution at nucleotide position 2531. The proline at codon 844 is replaced by leucine, an amino acid with similar properties. This amino acid position is highly conserved in available vertebrate species. In addition, this alteration is predicted to be tolerated by in silico analysis. Since supporting evidence is limited at this time, the clinical significance of this alteration remains unclear.

GeneDx
Classification: Uncertain significance. Last evaluated: 2023-08-15. Review status: criteria provided, single submitter. Criteria: GeneDx Variant Classification Process June 2021. Collection method: clinical testing. Allele origin: germline. Affected: yes.
Comment: Identified in a cohort of stillbirths without chromosome abnormalities (Sahlin et al., 2019); In silico analysis supports that this missense variant has a deleterious effect on protein structure/function; This variant is associated with the following publications: (PMID: 30615648)

Molecular Genetics, Royal Melbourne Hospital
Classification: Uncertain significance for Primary dilated cardiomyopathy. Last evaluated: 2023-07-07. Review status: criteria provided, single submitter. Criteria: ACMG Guidelines, 2015. Collection method: clinical testing. Allele origin: germline. Inheritance: Autosomal dominant inheritance. Affected: yes.
Comment: This sequence change in VCL is predicted to replace proline with leucine at codon 844, p.(Pro844Leu). The proline residue is highly conserved (100 vertebrates, UCSC), and is located in the leucine-rich linker region. There is a moderate physicochemical difference between proline and leucine. The highest population minor allele frequency in the population database gnomAD v2.1 is 0.02% (5/24,966 alleles) in the African American population. To our knowledge, this variant has not been previously reported in the relevant scientific literature or databases. Computational evidence predicts a benign effect for the missense substitution (REVEL = 0.218). Based on the classification scheme RMH Modified ACMG/AMP Guidelines v1.6.1, this variant is classified as a VARIANT OF UNCERTAIN SIGNIFICANCE. Following criteria are met: BP4

Clinical Genetics Laboratory, Skane University Hospital Lund
Classification: Uncertain significance. Last evaluated: 2022-10-20. Review status: criteria provided, single submitter. Criteria: ACMG Guidelines, 2015. Collection method: clinical testing. Allele origin: germline. Affected: yes.

Blueprint Genetics
Classification: Likely benign. Last evaluated: 2022-07-13. Review status: criteria provided, single submitter. Criteria: ACMG Guidelines, 2015. Collection method: clinical testing. Allele origin: germline.

Fulgent Genetics
Classification: Uncertain significance for Dilated cardiomyopathy 1W; Hypertrophic cardiomyopathy 15. Last evaluated: 2022-02-24. Review status: criteria provided, single submitter. Criteria: ACMG Guidelines, 2015. Collection method: clinical testing. Allele origin: unknown.

Mayo Clinic Laboratories, Mayo Clinic
Classification: Uncertain significance. Last evaluated: 2021-11-23. Review status: criteria provided, single submitter. Criteria: ACMG Guidelines, 2015. Collection method: clinical testing. Allele origin: germline.